The following is an entry in ClinVar:

NM_021074.5(NDUFV2):c.604G>A (p.Glu202Lys)

Genes: NDUFV2 (NADH:ubiquinone oxidoreductase core subunit V2; plus strand), NDUFV2-AS1 (NDUFV2 antisense RNA 1; minus strand). Cytogenetic location: 18p11.22.
Variant type: single nucleotide variant.
Coding change: c.604G>A on transcript NM_021074.5 (MANE Select); coding-DNA position 604, G replaced by A.
Protein change: p.Glu202Lys; replaces glutamic acid 202 with lysine.
Molecular consequence: missense variant.
Genome position (GRCh38, 1-based): chr18:9,126,855, G>A. VCF-style: chr18-9126855-G-A. GRCh37 (hg19) VCF-style: chr18-9126853-G-A.
Other names: short protein forms E202K.
Identifiers: ClinVar variation 4076777 (VCV004076777.1).
Genomic context (GRCh38, chr18:9,126,855, plus strand): 5'-TAATTTAAATATGACTATTGTTAATTTTTTTTCCAGGAGGATTTGACAGCTAAGGATATT[G>A]AAGAAATTATTGATGAGCTCAAGGCTGGCAAAATCCCAAAACCAGGGCCAAGGTATGCTT-3'
Protein context (NP_066552.2, residues 192-212): YYEDLTAKDI[Glu202Lys]EIIDELKAGK

ClinVar aggregate classification (germline): Uncertain significance (1 of 4 stars; one submission).

Submission:

GeneDx
Classification: Uncertain significance. Last evaluated: 2025-02-24. Review status: criteria provided, single submitter. Criteria: GeneDx Variant Classification Process June 2021. Collection method: clinical testing. Allele origin: germline. Affected: yes.
Comment: Not observed at significant frequency in large population cohorts (gnomAD); In silico analysis indicates that this missense variant does not alter protein structure/function; Has not been previously published as pathogenic or benign to our knowledge